The following is an entry in ClinVar:

NM_015330.6(SPECC1L):c.2116C>T (p.His706Tyr)

Genes: SPECC1L-ADORA2A (SPECC1L-ADORA2A readthrough (NMD candidate); plus strand), SPECC1L (sperm antigen with calponin homology and coiled-coil domains 1 like; plus strand). Cytogenetic location: 22q11.23.
Variant type: single nucleotide variant.
Coding change: c.2116C>T on transcript NM_015330.6 (MANE Select); coding-DNA position 2116, C replaced by T.
Protein change: p.His706Tyr; replaces histidine 706 with tyrosine.
Molecular consequence: missense variant. On other transcripts: non-coding transcript variant (1).
Genome position (GRCh38, 1-based): chr22:24,324,397, C>T. VCF-style: chr22-24324397-C-T. GRCh37 (hg19) VCF-style: chr22-24720365-C-T.
Other names: c.2116C>T, p.His706Tyr (NM_001145468.4, NM_001254732.3); short protein forms H706Y.
Identifiers: ClinVar variation 1315643 (VCV001315643.2), dbSNP rs867329096, ClinGen allele CA322650198.
Genomic context (GRCh38, chr22:24,324,397, plus strand): 5'-ATGAAAGAAACCATCTTTGAACTTGAAGATGAAGTAGAACAACATCGTGCTGTGAAACTT[C>T]ATGACAACCTCATTATTTCTGATCTAGAGAGTAAGTGATAAGAACTTTTCATTCTTTTTT-3'
Protein context (NP_056145.5, residues 696-716): EVEQHRAVKL[His706Tyr]DNLIISDLEN

ClinVar aggregate classification (germline): Uncertain significance (1 of 4 stars; one submission).

Allele frequency attached by ClinVar (database versions not stated): TOPMed below 0.00001.

Submission:

GeneDx
Classification: Uncertain significance. Last evaluated: 2021-04-30. Review status: criteria provided, single submitter. Criteria: GeneDx Variant Classification Process June 2021. Collection method: clinical testing. Allele origin: germline. Affected: yes.
Comment: Not observed in large population cohorts (Lek et al., 2016); In silico analysis, which includes protein predictors and evolutionary conservation, supports a deleterious effect; Has not been previously published as pathogenic or benign to our knowledge